The following is an entry in ClinVar:

ClinVar aggregate classification (germline): Uncertain significance (1 of 4 stars; one submission).

Conditions:
Autosomal dominant limb-girdle muscular dystrophy type 1D (DNAJB6) (LGMDD1). Also called: MUSCULAR DYSTROPHY, LIMB-GIRDLE, TYPE 1D; Autosomal dominant limb-girdle muscular dystrophy type 1D; Muscular dystrophy, limb-girdle, autosomal dominant 1; MUSCULAR DYSTROPHY, AUTOSOMAL DOMINANT, WITH RIMMED VACUOLES. Identifiers: Orphanet 34516, MedGen C4721885, MONDO:0021018, OMIM 603511.

Allele frequency attached by ClinVar (database versions not stated): TOPMed 0.00001; gnomAD exomes below 0.00001; ExAC 0.00001.
gnomAD v4.1: 4 of 1,596,956 alleles (0.00025%); highest among the groups gnomAD compares: East Asian, 0.0067%; no homozygotes.

Submission:

Labcorp Genetics (formerly Invitae), Labcorp
Classification: Uncertain significance for Autosomal dominant limb-girdle muscular dystrophy type 1D (DNAJB6). Last evaluated: 2022-09-19. Review status: criteria provided, single submitter. Criteria: Invitae Variant Classification Sherloc (09022015). Collection method: clinical testing. Allele origin: germline.
Comment: This sequence change replaces phenylalanine, which is neutral and non-polar, with valine, which is neutral and non-polar, at codon 114 of the DNAJB6 protein (p.Phe114Val). This variant is present in population databases (rs745727503, gnomAD 0.006%). This variant has not been reported in the literature in individuals affected with DNAJB6-related conditions. Advanced modeling of protein sequence and biophysical properties (such as structural, functional, and spatial information, amino acid conservation, physicochemical variation, residue mobility, and thermodynamic stability) performed at Invitae indicates that this missense variant is expected to disrupt DNAJB6 protein function. In summary, the available evidence is currently insufficient to determine the role of this variant in disease. Therefore, it has been classified as a Variant of Uncertain Significance.

NM_058246.4(DNAJB6):c.340T>G (p.Phe114Val)

Gene: DNAJB6 (DnaJ heat shock protein family (Hsp40) member B6; plus strand). Cytogenetic location: 7q36.3.
Variant type: single nucleotide variant.
Coding change: c.340T>G on transcript NM_058246.4 (MANE Select); coding-DNA position 340, T replaced by G.
Protein change: p.Phe114Val; replaces phenylalanine 114 with valine.
Molecular consequence: missense variant.
Genome position (GRCh38, 1-based): chr7:157,367,477, T>G. VCF-style: chr7-157367477-T-G. GRCh37 (hg19) VCF-style: chr7-157160171-T-G.
Other names: c.340T>G, p.Phe114Val (NM_001363676.1, NM_005494.3); short protein forms F114V.
Identifiers: ClinVar variation 1996929 (VCV001996929.4), dbSNP rs745727503, ClinGen allele CA4590457.